The following is an entry in ClinVar:

NM_001127453.2(GSDME):c.569C>T (p.Thr190Met)

Genes: GSDME (gasdermin E; minus strand), LOC129998098 (ATAC-STARR-seq lymphoblastoid active region 25750; plus strand). Cytogenetic location: 7p15.3.
Variant type: single nucleotide variant.
Coding change: c.569C>T on transcript NM_001127453.2 (MANE Select); coding-DNA position 569, C replaced by T.
Protein change: p.Thr190Met; replaces threonine 190 with methionine.
Molecular consequence: missense variant.
Genome position (GRCh38, 1-based): chr7:24,719,054, G>A on the plus strand (C>T on the coding strand, the complement: GSDME is on the minus strand). VCF-style: chr7-24719054-G-A. GRCh37 (hg19) VCF-style: chr7-24758673-G-A.
Other names: c.569C>T (NM_004403.2); c.77C>T, p.Thr26Met (NM_001127454.2); c.569C>T, p.Thr190Met (NM_004403.3); short protein forms T190M, T26M.
Identifiers: ClinVar variation 1680841 (VCV001680841.9), dbSNP rs184980931, ClinGen allele CA4191706.

ClinVar aggregate classification (germline): Conflicting classifications of pathogenicity. Review status: criteria provided, conflicting classifications (1 of 4 stars). 3 submissions from 3 submitters: Uncertain significance (2); Likely benign (1). Last evaluated 2025-09-04.

Conditions:
Inborn genetic diseases. Identifiers: MedGen C0950123, MeSH D030342.

Allele frequency attached by ClinVar (database versions not stated): gnomAD exomes 0.00003 and 0.00008; gnomAD 0.00004 and 0.00006; ExAC 0.00007; TOPMed 0.00009; 1000 Genomes Project 0.00020; 1000 Genomes Project 30x 0.00031.
gnomAD v4.1: 60 of 1,612,528 alleles (0.0037%); highest among the groups gnomAD compares: Admixed American, 0.035%; no homozygotes.

Submissions (3):

Ambry Genetics
Classification: Uncertain significance for Inborn genetic diseases. Last evaluated: 2025-09-04. Review status: criteria provided, single submitter. Criteria: Ambry Variant Classification Scheme 2023. Collection method: clinical testing. Allele origin: germline.

Labcorp Genetics (formerly Invitae), Labcorp
Classification: Uncertain significance. Last evaluated: 2025-07-29. Review status: criteria provided, single submitter. Criteria: Invitae Variant Classification Sherloc (09022015). Collection method: clinical testing. Allele origin: germline.
Comment: This sequence change replaces threonine, which is neutral and polar, with methionine, which is neutral and non-polar, at codon 190 of the DFNA5 protein (p.Thr190Met). This variant is present in population databases (rs184980931, gnomAD 0.04%), and has an allele count higher than expected for a pathogenic variant. This variant has not been reported in the literature in individuals affected with DFNA5-related conditions. ClinVar contains an entry for this variant (Variation ID: 1680841). Invitae Evidence Modeling of protein sequence and biophysical properties (such as structural, functional, and spatial information, amino acid conservation, physicochemical variation, residue mobility, and thermodynamic stability) indicates that this missense variant is not expected to disrupt DFNA5 protein function with a negative predictive value of 80%. In summary, the available evidence is currently insufficient to determine the role of this variant in disease. Therefore, it has been classified as a Variant of Uncertain Significance.

Blueprint Genetics
Classification: Likely benign. Last evaluated: 2023-04-25. Review status: criteria provided, single submitter. Criteria: ACMG Guidelines, 2015. Collection method: clinical testing. Allele origin: germline.